The following is an entry in ClinVar:

NM_006031.6(PCNT):c.6029A>G (p.Asp2010Gly)

Gene: PCNT (pericentrin; plus strand). Cytogenetic location: 21q22.3.
Variant type: single nucleotide variant.
Coding change: c.6029A>G on transcript NM_006031.6 (MANE Select); coding-DNA position 6029, A replaced by G.
Protein change: p.Asp2010Gly; replaces aspartic acid 2010 with glycine.
Molecular consequence: missense variant.
Genome position (GRCh38, 1-based): chr21:46,412,871, A>G. VCF-style: chr21-46412871-A-G. GRCh37 (hg19) VCF-style: chr21-47832785-A-G.
Other names: c.5675A>G, p.Asp1892Gly (NM_001315529.2); short protein forms D2010G, D1892G.
Identifiers: ClinVar variation 4727225 (VCV004727225.1).

ClinVar aggregate classification (germline): Uncertain significance (1 of 4 stars; one submission).

gnomAD v4.1: 2 of 1,612,802 alleles (0.00012%); highest among the groups gnomAD compares: Non-Finnish European, 0.00017%; no homozygotes.

Submission:

Labcorp Genetics (formerly Invitae), Labcorp
Classification: Uncertain significance. Last evaluated: 2025-09-15. Review status: criteria provided, single submitter. Criteria: Invitae Variant Classification Sherloc (09022015). Collection method: clinical testing. Allele origin: germline.
Comment: This sequence change replaces aspartic acid, which is acidic and polar, with glycine, which is neutral and non-polar, at codon 2010 of the PCNT protein (p.Asp2010Gly). This variant is not present in population databases (gnomAD no frequency). This variant has not been reported in the literature in individuals affected with PCNT-related conditions. An algorithm developed to predict the effect of missense changes on protein structure and function outputs the following: PolyPhen-2: "Possibly Damaging". The glycine amino acid residue is found in multiple mammalian species, which suggests that this missense change does not adversely affect protein function. In summary, the available evidence is currently insufficient to determine the role of this variant in disease. Therefore, it has been classified as a Variant of Uncertain Significance.